The following is an entry in ClinVar:

ClinVar aggregate classification (germline): Likely pathogenic (1 of 4 stars; one submission).

Conditions:
Meier-Gorlin syndrome 4 (MGORS4). Identifiers: Orphanet 2554, MedGen C3151120, MONDO:0013431, OMIM 613804.

gnomAD v4.1: 1 of 1,612,544 alleles (0.000062%); highest among the groups gnomAD compares: Non-Finnish European, 0.000085%; no homozygotes.

Submission:

Juno Genomics, Hangzhou Juno Genomics, Inc
Classification: Likely pathogenic for Meier-Gorlin syndrome 4. Review status: criteria provided, single submitter. Criteria: ACMG Guidelines, 2015. Collection method: clinical testing. Allele origin: germline.
Comment: Absent from controls (or at extremely low frequency if recessive) in Genome Aggregation Database.;Null variant in a gene where loss of function (LOF) is a known mechanism of disease.

NM_030928.4(CDT1):c.489-1G>A

Gene: CDT1 (chromatin licensing and DNA replication factor 1; plus strand). Cytogenetic location: 16q24.3.
Variant type: single nucleotide variant.
Coding change: c.489-1G>A on transcript NM_030928.4 (MANE Select); the canonical splice acceptor site of the intron before coding-DNA position 489, G replaced by A.
Molecular consequence: splice acceptor variant.
Genome position (GRCh38, 1-based): chr16:88,805,439, G>A. VCF-style: chr16-88805439-G-A. GRCh37 (hg19) VCF-style: chr16-88871847-G-A.
Identifiers: ClinVar variation 5019578 (VCV005019578.2).